The following is an entry in ClinVar:

NM_001197104.2(KMT2A):c.3371C>T (p.Pro1124Leu)

Gene: KMT2A (lysine methyltransferase 2A; plus strand). Cytogenetic location: 11q23.3.
Variant type: single nucleotide variant.
Coding change: c.3371C>T on transcript NM_001197104.2 (MANE Select); coding-DNA position 3371, C replaced by T.
Protein change: p.Pro1124Leu; replaces proline 1124 with leucine.
Molecular consequence: missense variant.
Genome position (GRCh38, 1-based): chr11:118,478,003, C>T. VCF-style: chr11-118478003-C-T. GRCh37 (hg19) VCF-style: chr11-118348718-C-T.
Other names: c.3470C>T, p.Pro1157Leu (NM_001412597.1); c.3371C>T, p.Pro1124Leu (NM_005933.4); short protein forms P1124L, P1157L.
Identifiers: ClinVar variation 1958410 (VCV001958410.5), dbSNP rs1950069077, ClinGen allele CA382824414.

ClinVar aggregate classification (germline): Uncertain significance (1 of 4 stars; one submission).

Allele frequency attached by ClinVar (database versions not stated): TOPMed below 0.00001.

Submission:

Labcorp Genetics (formerly Invitae), Labcorp
Classification: Uncertain significance. Last evaluated: 2022-10-01. Review status: criteria provided, single submitter. Criteria: Invitae Variant Classification Sherloc (09022015). Collection method: clinical testing. Allele origin: germline.
Comment: This variant has not been reported in the literature in individuals affected with KMT2A-related conditions. This variant is not present in population databases (gnomAD no frequency). This sequence change replaces proline, which is neutral and non-polar, with leucine, which is neutral and non-polar, at codon 1124 of the KMT2A protein (p.Pro1124Leu). Advanced modeling of protein sequence and biophysical properties (such as structural, functional, and spatial information, amino acid conservation, physicochemical variation, residue mobility, and thermodynamic stability) has been performed at Invitae for this missense variant, however the output from this modeling did not meet the statistical confidence thresholds required to predict the impact of this variant on KMT2A protein function. In summary, the available evidence is currently insufficient to determine the role of this variant in disease. Therefore, it has been classified as a Variant of Uncertain Significance.